The following is an entry in ClinVar:

ClinVar aggregate classification (germline): Uncertain significance (1 of 4 stars; one submission).

Allele frequency attached by ClinVar (database versions not stated): gnomAD 0.00001; gnomAD exomes 0.00001; TOPMed 0.00002.
gnomAD v4.1: 9 of 1,562,404 alleles (0.00058%); highest among the groups gnomAD compares: South Asian, 0.0047%; no homozygotes.

Submission:

Labcorp Genetics (formerly Invitae), Labcorp
Classification: Uncertain significance. Last evaluated: 2025-10-09. Review status: criteria provided, single submitter. Criteria: Invitae Variant Classification Sherloc (09022015). Collection method: clinical testing. Allele origin: germline.
Comment: This sequence change replaces threonine, which is neutral and polar, with methionine, which is neutral and non-polar, at codon 130 of the RELB protein (p.Thr130Met). This variant is not present in population databases (gnomAD no frequency). This variant has not been reported in the literature in individuals affected with RELB-related conditions. ClinVar contains an entry for this variant (Variation ID: 1441395). An algorithm developed to predict the effect of missense changes on protein structure and function (PolyPhen-2) suggests that this variant is likely to be disruptive. In summary, the available evidence is currently insufficient to determine the role of this variant in disease. Therefore, it has been classified as a Variant of Uncertain Significance.

NM_006509.4(RELB):c.389C>T (p.Thr130Met)

Gene: RELB (RELB proto-oncogene, NF-kB subunit; plus strand). Cytogenetic location: 19q13.32.
Variant type: single nucleotide variant.
Coding change: c.389C>T on transcript NM_006509.4 (MANE Select); coding-DNA position 389, C replaced by T.
Protein change: p.Thr130Met; replaces threonine 130 with methionine.
Molecular consequence: missense variant.
Genome position (GRCh38, 1-based): chr19:45,012,161, C>T. VCF-style: chr19-45012161-C-T. GRCh37 (hg19) VCF-style: chr19-45515419-C-T.
Other names: short protein forms T130M.
Identifiers: ClinVar variation 1441395 (VCV001441395.8), dbSNP rs1023077568, ClinGen allele CA308929372.